The following is an entry in ClinVar:

NM_000548.5(TSC2):c.4780C>T (p.Leu1594=)

Gene: TSC2 (TSC complex subunit 2; plus strand). Cytogenetic location: 16p13.3.
Variant type: single nucleotide variant.
Coding change: c.4780C>T on transcript NM_000548.5 (MANE Select); coding-DNA position 4780, C replaced by T.
Protein change: p.Leu1594=; no amino-acid change (leucine 1594 retained).
Molecular consequence: synonymous variant.
Genome position (GRCh38, 1-based): chr16:2,086,310, C>T. VCF-style: chr16-2086310-C-T. GRCh37 (hg19) VCF-style: chr16-2136311-C-T.
Other names: c.4579C>T, p.Leu1527= (NM_001077183.3); c.4711C>T, p.Leu1571= (NM_001114382.3); c.4471C>T, p.Leu1491= (NM_001318827.2); c.4435C>T, p.Leu1479= (NM_001318829.2); c.4048C>T, p.Leu1350= (NM_001318831.2); c.4612C>T, p.Leu1538= (NM_001318832.2); c.4582C>T, p.Leu1528= (NM_001363528.2); c.4648C>T, p.Leu1550= (NM_001370404.1); and 1 more.
Identifiers: ClinVar variation 618452 (VCV000618452.25), dbSNP rs45511204, ClinGen allele CA493043562.

ClinVar aggregate classification (germline): Benign/Likely benign. Review status: criteria provided, multiple submitters, no conflicts (2 of 4 stars). 6 submissions from 6 submitters: Benign (2); Likely benign (4). Last evaluated 2026-01-26.

Conditions:
Tuberous sclerosis 2 (TSC2). Identifiers: Orphanet 805, MedGen C1860707, MONDO:0013199, OMIM 613254.
Hereditary cancer-predisposing syndrome. Also called: Neoplastic Syndromes, Hereditary; Tumor predisposition; Hereditary Cancer Syndrome; Hereditary neoplastic syndrome. Identifiers: Orphanet 140162, MedGen C0027672, MeSH D009386, MONDO:0015356.

Allele frequency attached by ClinVar (database versions not stated): gnomAD exomes below 0.00001.
gnomAD v4.1: 6 of 1,612,938 alleles (0.00037%); highest among the groups gnomAD compares: Non-Finnish European, 0.00051%; no homozygotes.

Submissions (6):

Labcorp Genetics (formerly Invitae), Labcorp
Classification: Likely benign for Tuberous sclerosis 2. Last evaluated: 2026-01-26. Review status: criteria provided, single submitter. Criteria: Invitae Variant Classification Sherloc (09022015). Collection method: clinical testing. Allele origin: germline.

Myriad Genetics, Inc.
Classification: Benign for Tuberous sclerosis 2. Last evaluated: 2025-06-05. Review status: criteria provided, single submitter. Criteria: Myriad Autosomal Dominant, Autosomal Recessive and X-Linked Classification Criteria (2023). Collection method: clinical testing. Allele origin: unknown.
Comment: This variant is considered benign. This variant is a silent/synonymous amino acid change and it is not expected to impact splicing.

Genome-Nilou Lab
Classification: Benign for Tuberous sclerosis 2. Last evaluated: 2021-11-07. Review status: criteria provided, single submitter. Criteria: ACMG Guidelines, 2015. Collection method: clinical testing. Allele origin: germline. Affected: no.

Blueprint Genetics
Classification: Likely benign. Last evaluated: 2020-09-29. Review status: criteria provided, single submitter. Criteria: ACMG Guidelines, 2015. Collection method: clinical testing. Allele origin: germline.

Ambry Genetics
Classification: Likely benign for Hereditary cancer-predisposing syndrome. Last evaluated: 2019-11-06. Review status: criteria provided, single submitter. Criteria: Ambry Variant Classification Scheme 2023. Collection method: clinical testing. Allele origin: germline.

ARUP Laboratories, Molecular Genetics and Genomics, ARUP Laboratories
Classification: Likely benign. Last evaluated: 2018-05-06. Review status: criteria provided, single submitter. Criteria: ARUP Molecular Germline Variant Investigation Process. Collection method: clinical testing. Allele origin: germline.
Comment: The TSC2 c.4780C>T; p.Leu1594Leu variant, to our knowledge, is not reported in the medical literature or gene specific databases. This variant is also absent from general population databases (1000 Genomes Project, Exome Variant Server, and Genome Aggregation Database), indicating it is not a common polymorphism. This is a synonymous variant in a moderately conserved nucleotide, but computational analyses (Alamut v.2.11) predict that this variant does not alter splicing. Based on available information, this variant is considered to be likely benign.